The following is an entry in ClinVar:

ClinVar aggregate classification (germline): Uncertain significance (1 of 4 stars; one submission).

Submission:

GeneDx
Classification: Uncertain significance. Last evaluated: 2024-09-22. Review status: criteria provided, single submitter. Criteria: GeneDx Variant Classification Process June 2021. Collection method: clinical testing. Allele origin: germline. Affected: yes.
Comment: Not observed at significant frequency in large population cohorts (gnomAD); In silico analysis supports that this missense variant has a deleterious effect on protein structure/function; Has not been previously published as pathogenic or benign to our knowledge.

NM_001282597.3(CTNNA2):c.2068T>C (p.Phe690Leu)

Gene: CTNNA2 (catenin alpha 2; plus strand). Cytogenetic location: 2p12.
Variant type: single nucleotide variant.
Coding change: c.2068T>C on transcript NM_001282597.3 (MANE Select); coding-DNA position 2068, T replaced by C.
Protein change: p.Phe690Leu; replaces phenylalanine 690 with leucine.
Molecular consequence: missense variant.
Genome position (GRCh38, 1-based): chr2:80,589,364, T>C. VCF-style: chr2-80589364-T-C. GRCh37 (hg19) VCF-style: chr2-80816489-T-C.
Other names: c.2068T>C, p.Phe690Leu (NM_001164883.2, NM_001399737.1, NM_004389.4); c.2170T>C, p.Phe724Leu (NM_001282598.2); c.1105T>C, p.Phe369Leu (NM_001282599.2); c.964T>C, p.Phe322Leu (NM_001282600.2, NM_001320810.2); short protein forms F322L, F369L, F690L, F724L.
Identifiers: ClinVar variation 3774292 (VCV003774292.1).